The following is an entry in ClinVar:

NM_004629.2(FANCG):c.1615C>G (p.Leu539Val)

Gene: FANCG (FA complementation group G; minus strand). Cytogenetic location: 9p13.3.
Variant type: single nucleotide variant.
Coding change: c.1615C>G on transcript NM_004629.2 (MANE Select); coding-DNA position 1615, C replaced by G.
Protein change: p.Leu539Val; replaces leucine 539 with valine.
Molecular consequence: missense variant.
Genome position (GRCh38, 1-based): chr9:35,074,948, G>C on the plus strand (C>G on the coding strand, the complement: FANCG is on the minus strand). VCF-style: chr9-35074948-G-C. GRCh37 (hg19) VCF-style: chr9-35074945-G-C.
Other names: short protein forms L539V.
Identifiers: ClinVar variation 1463949 (VCV001463949.5), dbSNP rs1486862292, ClinGen allele CA373303521.

ClinVar aggregate classification (germline): Uncertain significance (1 of 4 stars; one submission).

Conditions:
Fanconi anemia (FA). Also called: Fanconi's anemia. Identifiers: Orphanet 84, MedGen C0015625, MeSH D005199, MONDO:0019391.

Allele frequency attached by ClinVar (database versions not stated): gnomAD exomes below 0.00001 and 0.00001; gnomAD 0.00001.
gnomAD v4.1: 3 of 1,614,058 alleles (0.00019%); highest among the groups gnomAD compares: Non-Finnish European, 0.00017%; no homozygotes.

Submission:

Labcorp Genetics (formerly Invitae), Labcorp
Classification: Uncertain significance for Fanconi anemia. Last evaluated: 2022-10-17. Review status: criteria provided, single submitter. Criteria: Invitae Variant Classification Sherloc (09022015). Collection method: clinical testing. Allele origin: germline.
Comment: This sequence change replaces leucine, which is neutral and non-polar, with valine, which is neutral and non-polar, at codon 539 of the FANCG protein (p.Leu539Val). This variant is present in population databases (no rsID available, gnomAD 0.002%). This variant has not been reported in the literature in individuals affected with FANCG-related conditions. ClinVar contains an entry for this variant (Variation ID: 1463949). Algorithms developed to predict the effect of missense changes on protein structure and function (SIFT, PolyPhen-2, Align-GVGD) all suggest that this variant is likely to be tolerated. In summary, the available evidence is currently insufficient to determine the role of this variant in disease. Therefore, it has been classified as a Variant of Uncertain Significance.